The following is an entry in ClinVar:

ClinVar aggregate classification (germline): Likely pathogenic (1 of 4 stars; one submission).

Submission:

CeGaT Center for Human Genetics Tuebingen
Classification: Likely pathogenic. Last evaluated: 2026-03-01. Review status: criteria provided, single submitter. Criteria: CeGaT Center For Human Genetics Tuebingen Variant Classification Criteria Version 2. Collection method: clinical testing. Allele origin: germline. Affected: yes. Observed: 5 variant alleles.
Comment: FHL1: PVS1:Strong, PM2

NM_001159699.2(FHL1):c.841_844del (p.Val281fs)

Gene: FHL1 (four and a half LIM domains 1; plus strand). Cytogenetic location: Xq26.3.
Variant type: Deletion.
Coding change: c.841_844del on transcript NM_001159699.2 (MANE Select); coding-DNA positions 841 to 844, 4 bases deleted (GTTT; older notation c.841_844delGTTT).
Protein change: p.Val281fs; shifts the reading frame from valine 281.
Molecular consequence: frameshift variant. On other transcripts: 3 prime UTR variant (6), non-coding transcript variant (1).
Genome position (GRCh38, 1-based): chrX:136,209,975-136,209,978, GTTT deleted; deleting any 4 consecutive bases within chrX:136,209,972-136,209,978 gives the same sequence; the c. name uses the placement nearest the transcript's 3' end. VCF-style (leftmost placement, unchanged base first): chrX-136209971-CTTTG-C. GRCh37 (hg19) VCF-style: chrX-135292130-CTTTG-C.
Other names: c.*21_*24del (NM_001369327.2, NM_001369328.1, NM_001159702.3 and 3 more transcripts); c.793_796del, p.Val265fs (NM_001369329.1, NM_001369330.1, NM_001369331.1 and 4 more transcripts); c.880_883del, p.Val294fs (NM_001159701.2); short protein forms V265fs, V281fs, V294fs.
Identifiers: ClinVar variation 1176959 (VCV001176959.35), dbSNP rs1603273685, ClinGen allele CA2499226381.
Genomic context (GRCh38, chrX:136,209,971, plus strand): 5'-ATCCTGGCACGACTACTGCTTCCACTGCAAAAAATGCTCCGTGAATCTGGCCAACAAGCG[CTTTG>C]TTTTCCACCAGGAGCAAGTGTATTGTCCCGACTGTGCCAAAAAGCTGTAAACTGACAGGG-3'